The following is an entry in ClinVar:

NM_006415.4(SPTLC1):c.77T>C (p.Ile26Thr)

Gene: SPTLC1 (serine palmitoyltransferase long chain base subunit 1; minus strand). Cytogenetic location: 9q22.31.
Variant type: single nucleotide variant.
Coding change: c.77T>C on transcript NM_006415.4 (MANE Select); coding-DNA position 77, T replaced by C.
Protein change: p.Ile26Thr; replaces isoleucine 26 with threonine.
Molecular consequence: missense variant. On other transcripts: 5 prime UTR variant (2).
Genome position (GRCh38, 1-based): chr9:92,112,543, A>G on the plus strand (T>C on the coding strand, the complement: SPTLC1 is on the minus strand). VCF-style: chr9-92112543-A-G. GRCh37 (hg19) VCF-style: chr9-94874825-A-G.
Other names: c.77T>C, p.Ile26Thr (NM_001281303.2, NM_178324.3); c.-423T>C (NM_001368272.1); c.-389T>C (NM_001368273.1); short protein forms I26T.
Identifiers: ClinVar variation 3707744 (VCV003707744.2).

ClinVar aggregate classification (germline): Uncertain significance (1 of 4 stars; one submission).

Conditions:
Hereditary sensory and autonomic neuropathy type 1 (HSAN1). Also called: HSAN 1; HSN Type I; Hereditary Sensory Neuropathy Type I. Identifiers: Orphanet 36386, MedGen C0020071, MONDO:0018213.

Submission:

Labcorp Genetics (formerly Invitae), Labcorp
Classification: Uncertain significance for Hereditary sensory and autonomic neuropathy type 1. Last evaluated: 2024-11-30. Review status: criteria provided, single submitter. Criteria: Invitae Variant Classification Sherloc (09022015). Collection method: clinical testing. Allele origin: germline.
Comment: This sequence change replaces isoleucine, which is neutral and non-polar, with threonine, which is neutral and polar, at codon 26 of the SPTLC1 protein (p.Ile26Thr). This variant is not present in population databases (gnomAD no frequency). This variant has not been reported in the literature in individuals affected with SPTLC1-related conditions. Invitae Evidence Modeling of protein sequence and biophysical properties (such as structural, functional, and spatial information, amino acid conservation, physicochemical variation, residue mobility, and thermodynamic stability) has been performed for this missense variant. However, the output from this modeling did not meet the statistical confidence thresholds required to predict the impact of this variant on SPTLC1 protein function. In summary, the available evidence is currently insufficient to determine the role of this variant in disease. Therefore, it has been classified as a Variant of Uncertain Significance.